The following is an entry in ClinVar:

NM_001165963.4(SCN1A):c.3607C>T (p.Gln1203Ter)

Genes: SCN1A (sodium voltage-gated channel alpha subunit 1; minus strand), LOC102724058 (uncharacterized LOC102724058; plus strand). Cytogenetic location: 2q24.3.
Variant type: single nucleotide variant.
Coding change: c.3607C>T on transcript NM_001165963.4 (MANE Select); coding-DNA position 3607, C replaced by T.
Protein change: p.Gln1203Ter; replaces glutamine 1203 with a stop codon.
Molecular consequence: nonsense. On other transcripts: non-coding transcript variant (1).
Genome position (GRCh38, 1-based): chr2:166,013,842, G>A on the plus strand (C>T on the coding strand, the complement: SCN1A is on the minus strand). VCF-style: chr2-166013842-G-A. GRCh37 (hg19) VCF-style: chr2-166870352-G-A.
Other names: p.Q1203*:CAA>TAA; c.3523C>T, p.Gln1175Ter (NM_001165964.3, NM_001353957.2, NM_001353958.2); c.3607C>T, p.Gln1203Ter (NM_001202435.3, NM_001353948.2); c.3574C>T, p.Gln1192Ter (NM_001353949.2, NM_001353950.2, NM_001353951.2 and 2 more transcripts); c.3571C>T, p.Gln1191Ter (NM_001353954.2, NM_001353955.2); c.3520C>T, p.Gln1174Ter (NM_001353960.2); c.1165C>T, p.Gln389Ter (NM_001353961.2); short protein forms Q1192*, Q1203*, Q389*, Q1191*, Q1174*, Q1175*.
Identifiers: ClinVar variation 206803 (VCV000206803.10), dbSNP rs796052995, ClinGen allele CA317375.

ClinVar aggregate classification (germline): Pathogenic. Review status: criteria provided, multiple submitters, no conflicts (2 of 4 stars). 2 submissions from 2 submitters: Pathogenic (2). Last evaluated 2021-02-11.

Conditions:
Early-infantile DEE. Also called: Ohtahara syndrome; Early infantile epileptic encephalopathy; Early infantile epileptic encephalopathy with suppression bursts. Identifiers: Orphanet 1934, MedGen C0393706, MONDO:0800491.

Submissions (2):

Labcorp Genetics (formerly Invitae), Labcorp
Classification: Pathogenic for Early-infantile DEE. Last evaluated: 2021-02-11. Review status: criteria provided, single submitter. Criteria: Invitae Variant Classification Sherloc (09022015). Collection method: clinical testing. Allele origin: germline.
Comment: For these reasons, this variant has been classified as Pathogenic. This variant has been observed in individual(s) with epilepsy and/or neurodevelopmental disorder (PMID: 29655203). ClinVar contains an entry for this variant (Variation ID: 206803). This variant is not present in population databases (ExAC no frequency). This sequence change creates a premature translational stop signal (p.Gln1203*) in the SCN1A gene. It is expected to result in an absent or disrupted protein product. Loss-of-function variants in SCN1A are known to be pathogenic (PMID: 17347258, 18930999).

GeneDx
Classification: Pathogenic. Last evaluated: 2012-09-07. Review status: criteria provided, single submitter. Criteria: GeneDx Variant Classification (06012015). Collection method: clinical testing. Allele origin: germline. Affected: yes.
Comment: p.Gln1203Stop (CAA>TAA):c.3607 C>T in exon 18 of the SCN1A gene (NM_001165963.1) The Gln1203Stop nonsense mutation in the SCN1A gene is predicted to cause loss of normal protein function either through protein truncation or nonsense-mediated mRNA decay. The variant is found in EPILEPSY panel(s).

Literature cited by the submitters: PubMed 29655203 (cited by Labcorp Genetics (formerly Invitae), Labcorp); PubMed 17347258 (cited by Labcorp Genetics (formerly Invitae), Labcorp); PubMed 18930999 (cited by Labcorp Genetics (formerly Invitae), Labcorp).